The following is an entry in ClinVar:

ClinVar aggregate classification (germline): Uncertain significance (1 of 4 stars; one submission).

Submission:

GeneDx
Classification: Uncertain significance. Last evaluated: 2024-06-25. Review status: criteria provided, single submitter. Criteria: GeneDx Variant Classification Process June 2021. Collection method: clinical testing. Allele origin: germline. Affected: yes.
Comment: Frameshift variant predicted to result in abnormal protein length as the last 2 amino acids are replaced with an unknown number of different amino acids as the new stop codon cannot be predicted; Reported using an alternate transcript of the gene; This variant is associated with the following publications: (PMID: 37892643)

NM_152732.5(RSPH9):c.*30AG[1]

Gene: RSPH9 (radial spoke head component 9; plus strand). Cytogenetic location: 6p21.1.
Variant type: Microsatellite.
Coding change: c.*30AG[1] on transcript NM_152732.5 (MANE Select); one copy of the 2-base unit AG starting at c.*30; the reference has two copies in a row; one copy, 2 bases deleted.
Molecular consequence: 3 prime UTR variant. On other transcripts: frameshift variant (2), non-coding transcript variant (2).
Genome position (GRCh38, 1-based): chr6:43,670,981-43,670,982, AG deleted; deleting any 2 consecutive bases within chr6:43,670,979-43,670,982 gives the same sequence; the position shown is the placement nearest the transcript's 3' end. VCF-style (leftmost placement, unchanged base first): chr6-43670978-CAG-C. GRCh37 (hg19) VCF-style: chr6-43638715-CAG-C.
Other names: c.915_916del, p.Arg305fs (NM_001193341.2); c.960_961del, p.Arg320fs (NM_001424119.1); c.*30AG[1] (NM_001424120.1); short protein forms R305fs, R320fs.
Identifiers: ClinVar variation 3392701 (VCV003392701.1).
Genomic context (GRCh38, chr6:43,670,978, plus strand): 5'-AGAAGAACATGGACTTGCCCTTCATGCTATAGAATGGGAGCCAGCCTGGATGTTTTTAAA[CAG>C]AGTCTAAACATGATTTTCTTAAGCTTCAGTGAACTTGGCCTGCCTGTTCTGTCCTATCTT-3'